The following is an entry in ClinVar:

NM_018685.5(ANLN):c.550C>T (p.Pro184Ser)

Gene: ANLN (anillin, actin binding protein; plus strand). Cytogenetic location: 7p14.2.
Variant type: single nucleotide variant.
Coding change: c.550C>T on transcript NM_018685.5 (MANE Select); coding-DNA position 550, C replaced by T.
Protein change: p.Pro184Ser; replaces proline 184 with serine.
Molecular consequence: missense variant.
Genome position (GRCh38, 1-based): chr7:36,406,243, C>T. VCF-style: chr7-36406243-C-T. GRCh37 (hg19) VCF-style: chr7-36445852-C-T.
Other names: c.550C>T, p.Pro184Ser (NM_001284301.3, NM_001284302.3); short protein forms P184S.
Identifiers: ClinVar variation 3906560 (VCV003906560.1).

ClinVar aggregate classification (germline): Uncertain significance (1 of 4 stars; one submission).

Submission:

GeneDx
Classification: Uncertain significance. Last evaluated: 2024-12-17. Review status: criteria provided, single submitter. Criteria: GeneDx Variant Classification Process June 2021. Collection method: clinical testing. Allele origin: germline. Affected: yes.
Comment: Not observed at significant frequency in large population cohorts (gnomAD); In silico analysis supports that this missense variant has a deleterious effect on protein structure/function; Has not been previously published as pathogenic or benign to our knowledge